The following is an entry in ClinVar:

NM_020921.4(NIN):c.1226C>T (p.Ala409Val)

Gene: NIN (ninein; minus strand). Cytogenetic location: 14q22.1.
Variant type: single nucleotide variant.
Coding change: c.1226C>T on transcript NM_020921.4 (MANE Select); coding-DNA position 1226, C replaced by T.
Protein change: p.Ala409Val; replaces alanine 409 with valine.
Molecular consequence: missense variant.
Genome position (GRCh38, 1-based): chr14:50,770,885, G>A on the plus strand (C>T on the coding strand, the complement: NIN is on the minus strand). VCF-style: chr14-50770885-G-A. GRCh37 (hg19) VCF-style: chr14-51237603-G-A.
Other names: c.1226C>T, p.Ala409Val (NM_016350.5, NM_182944.3, NM_182946.2); short protein forms A409V.
Identifiers: ClinVar variation 1904541 (VCV001904541.5), dbSNP rs745827102, ClinGen allele CA7182257.

ClinVar aggregate classification (germline): Uncertain significance (1 of 4 stars; one submission).

Allele frequency attached by ClinVar (database versions not stated): ExAC 0.00001.

Submission:

Labcorp Genetics (formerly Invitae), Labcorp
Classification: Uncertain significance. Last evaluated: 2024-02-23. Review status: criteria provided, single submitter. Criteria: Invitae Variant Classification Sherloc (09022015). Collection method: clinical testing. Allele origin: germline.
Comment: This sequence change replaces alanine, which is neutral and non-polar, with valine, which is neutral and non-polar, at codon 409 of the NIN protein (p.Ala409Val). This variant is present in population databases (rs745827102, gnomAD 0.0009%). This variant has not been reported in the literature in individuals affected with NIN-related conditions. ClinVar contains an entry for this variant (Variation ID: 1904541). An algorithm developed to predict the effect of missense changes on protein structure and function (PolyPhen-2) suggests that this variant is likely to be disruptive. In summary, the available evidence is currently insufficient to determine the role of this variant in disease. Therefore, it has been classified as a Variant of Uncertain Significance.